The following is an entry in ClinVar:

NM_003072.5(SMARCA4):c.3529G>A (p.Asp1177Asn)

Gene: SMARCA4 (SWI/SNF related BAF chromatin remodeling complex subunit ATPase 4; plus strand). Cytogenetic location: 19p13.2.
Variant type: single nucleotide variant.
Coding change: c.3529G>A on transcript NM_003072.5 (MANE Select); coding-DNA position 3529, G replaced by A.
Protein change: p.Asp1177Asn; replaces aspartic acid 1177 with asparagine.
Molecular consequence: missense variant. On other transcripts: non-coding transcript variant (1).
Genome position (GRCh38, 1-based): chr19:11,030,876, G>A. VCF-style: chr19-11030876-G-A. GRCh37 (hg19) VCF-style: chr19-11141552-G-A.
Other names: c.3529G>A, p.Asp1177Asn (NM_001387283.1, NM_001411150.1, NM_001128844.3 and 6 more transcripts); short protein forms D1177N.
Identifiers: ClinVar variation 4530262 (VCV004530262.1).
Genomic context (GRCh38, chr19:11,030,876, plus strand): 5'-CGGGCTGGGGGGCTCGGCCTGAACCTCCAGTCGGCAGACACTGTGATCATTTTTGACAGC[G>A]ACTGGAATCCTCACCAGGTAAAAGCGGGCCGGGCCCCAGGTCGAGGAGAAGGAAGGGGGT-3'
Protein context (NP_003063.2, residues 1167-1187): SADTVIIFDS[Asp1177Asn]WNPHQDLQAQ

ClinVar aggregate classification (somatic clinical impact): Tier I - Strong. Review status: criteria provided, single submitter (1 of 4 stars). 2 submissions from 1 submitter. Last evaluated 2023-12-22.

Conditions:
Medulloblastoma non-WNT/non-SHH. Identifiers: MedGen C4330667, MONDO:0850198.
Medulloblastoma WNT activated. Identifiers: MedGen C4331965, MONDO:0850196.

Submissions (2):

Institute for Genomic Medicine (IGM) Clinical Laboratory, Nationwide Children's Hospital
Classification: Tier I - Strong for Medulloblastoma non-WNT/non-SHH. Assertion type: diagnostic. Clinical significance: supports diagnosis. Last evaluated: 2023-12-22. Review status: criteria provided, single submitter. Criteria: AMP/ASCO/CAP Guidelines, 2017. Collection method: clinical testing. Allele origin: somatic. Affected: yes.
Comment: Variant has Tier I (strong) clinical significance as a diagnostic inclusion criterion in medulloblastoma non-WNT/non-SHH, based on the following evidence: 1) Documented in one or more cancer databases (e.g., St. Jude Pecan, COSMIC, CIViC, OncoKB). 2) Appears in one or more well-established professional guidelines (e.g., World Health Organization [WHO]; National Comprehensive Cancer Network [NCCN]) as providing diagnostic, prognostic, or therapeutic information. 3) Information in the literature supports potential biologic effect of variant (PMID: 33144586). 4) Diagnostic for a specific tumor type/classification based on well-powered studies with expert-level consensus (Evidence Level B; PMIDs: 21163964, 28726821, 22820256, 22832583, 22722829, 23432644).

Institute for Genomic Medicine (IGM) Clinical Laboratory, Nationwide Children's Hospital
Classification: Tier I - Strong for Medulloblastoma WNT activated. Assertion type: diagnostic. Clinical significance: supports diagnosis. Last evaluated: 2023-02-24. Review status: criteria provided, single submitter. Criteria: AMP/ASCO/CAP Guidelines, 2017. Collection method: clinical testing. Allele origin: somatic. Affected: yes.
Comment: Variant has Tier I (strong) clinical significance as a diagnostic inclusion criterion in medulloblastoma WNT activated, based on the following evidence: 1) Documented in one or more cancer databases (e.g., St. Jude Pecan, COSMIC, CIViC, OncoKB). 2) Appears in one or more well-established professional guidelines (e.g., World Health Organization [WHO]; National Comprehensive Cancer Network [NCCN]) as providing diagnostic, prognostic, or therapeutic information. 3) Information in the literature supports potential biologic effect of variant (PMID: 33144586). 4) Diagnostic for a specific tumor type/classification based on well-powered studies with expert-level consensus (Evidence Level B; PMIDs: 21163964, 28726821, 22820256, 22832583, 22722829).

Literature cited by the submitters: PubMed 33144586; PubMed 21163964; PubMed 28726821; PubMed 22820256; PubMed 22832583; PubMed 22722829; PubMed 23432644.